The following is an entry in ClinVar:

ClinVar aggregate classification (germline): Uncertain significance (1 of 4 stars; one submission).

gnomAD v4.1: 4 of 1,614,158 alleles (0.00025%); highest among the groups gnomAD compares: Non-Finnish European, 0.00034%; no homozygotes.

Submission:

GeneDx
Classification: Uncertain significance. Last evaluated: 2024-10-28. Review status: criteria provided, single submitter. Criteria: GeneDx Variant Classification Process June 2021. Collection method: clinical testing. Allele origin: germline. Affected: yes.
Comment: Not observed at significant frequency in large population cohorts (gnomAD); In silico analysis supports that this missense variant has a deleterious effect on protein structure/function; Has not been previously published as pathogenic or benign to our knowledge

NM_004415.4(DSP):c.704T>C (p.Leu235Pro)

Gene: DSP (desmoplakin; plus strand). Cytogenetic location: 6p24.3.
Variant type: single nucleotide variant.
Coding change: c.704T>C on transcript NM_004415.4 (MANE Select); coding-DNA position 704, T replaced by C.
Protein change: p.Leu235Pro; replaces leucine 235 with proline.
Molecular consequence: missense variant.
Genome position (GRCh38, 1-based): chr6:7,562,758, T>C. VCF-style: chr6-7562758-T-C. GRCh37 (hg19) VCF-style: chr6-7562991-T-C.
Other names: c.704T>C, p.Leu235Pro (NM_001008844.3, NM_001319034.2, NM_001406591.1); short protein forms L235P.
Identifiers: ClinVar variation 3893636 (VCV003893636.1).